The following is an entry in ClinVar:

ClinVar aggregate classification (germline): Uncertain significance (1 of 4 stars; one submission).

Conditions:
Leigh syndrome (NULS). Also called: Leigh's necrotizing encephalopathy; Leigh's disease; Leigh Syndrome (mtDNA deletion); Leigh Disease; Subacute necrotizing encephalopathy; Necrotizing encephalopathy infantile subacute of Leigh. Identifiers: Orphanet 506, MedGen C2931891, MONDO:0009723, OMIM 256000.

Submission:

Wong Mito Lab, Molecular and Human Genetics, Baylor College of Medicine
Classification: Uncertain significance for Leigh syndrome. Last evaluated: 2019-10-17. Review status: criteria provided, single submitter. Criteria: Modified ACMG Guidelines (Unpublished). Collection method: clinical testing. Allele origin: germline.
Comment: The NC_012920.1:m.7233C>T (YP_003024028.1:p.Pro444Ser) variant in MTCO1 gene is interpretated to be a Uncertain Significance variant based on the modified ACMG guidelines (unpublished). This variant meets the following evidence codes: PP3, PP7, BP5

NC_012920.1(MT-CO1):m.7233C>T

Gene: MT-CO1 (mitochondrially encoded cytochrome c oxidase I; plus strand).
Variant type: single nucleotide variant.
Genome position: chrM-7233-C-T.
Identifiers: ClinVar variation 692718 (VCV000692718.1), dbSNP rs1603220839, ClinGen allele CA414792009.